The following is an entry in ClinVar:

ClinVar aggregate classification (germline): Uncertain significance. Review status: criteria provided, multiple submitters, no conflicts (2 of 4 stars). 3 submissions from 3 submitters: Uncertain significance (3). Last evaluated 2026-02-13.

Conditions:
GSN-related disorder. Also called: GSN-related condition.
Inborn genetic diseases. Identifiers: MedGen C0950123, MeSH D030342.

gnomAD v4.1: 89 of 1,614,016 alleles (0.0055%); highest among the groups gnomAD compares: Non-Finnish European, 0.0069%; no homozygotes.

Submissions (3):

PreventionGenetics, part of Exact Sciences
Classification: Uncertain significance for GSN-related condition. Last evaluated: 2026-02-13. Review status: criteria provided, single submitter. Criteria: ACMG Guidelines, 2015. Collection method: clinical testing. Allele origin: germline.
Comment: The GSN c.596G>A variant is predicted to result in the amino acid substitution p.Arg199His. To our knowledge, this variant has not been reported in the literature. This variant is reported in 0.0065% of alleles in individuals of South Asian descent in gnomAD. At this time, the clinical significance of this variant is uncertain due to the absence of conclusive functional and genetic evidence.

Labcorp Genetics (formerly Invitae), Labcorp
Classification: Uncertain significance. Last evaluated: 2024-10-21. Review status: criteria provided, single submitter. Criteria: Invitae Variant Classification Sherloc (09022015). Collection method: clinical testing. Allele origin: germline.
Comment: This sequence change replaces arginine, which is basic and polar, with histidine, which is basic and polar, at codon 199 of the GSN protein (p.Arg199His). This variant is present in population databases (rs150617780, gnomAD 0.007%). This variant has not been reported in the literature in individuals affected with GSN-related conditions. Invitae Evidence Modeling of protein sequence and biophysical properties (such as structural, functional, and spatial information, amino acid conservation, physicochemical variation, residue mobility, and thermodynamic stability) indicates that this missense variant is not expected to disrupt GSN protein function with a negative predictive value of 80%. In summary, the available evidence is currently insufficient to determine the role of this variant in disease. Therefore, it has been classified as a Variant of Uncertain Significance.

Ambry Genetics
Classification: Uncertain significance for Inborn genetic diseases. Last evaluated: 2024-09-04. Review status: criteria provided, single submitter. Criteria: Ambry Variant Classification Scheme 2023. Collection method: clinical testing. Allele origin: germline.

NM_198252.3(GSN):c.443G>A (p.Arg148His)

Gene: GSN (gelsolin; plus strand). Cytogenetic location: 9q33.2.
Variant type: single nucleotide variant.
Coding change: c.443G>A on transcript NM_198252.3 (MANE Select); coding-DNA position 443, G replaced by A.
Protein change: p.Arg148His; replaces arginine 148 with histidine.
Molecular consequence: missense variant. On other transcripts: 5 prime UTR variant (1).
Genome position (GRCh38, 1-based): chr9:121,310,775, G>A. VCF-style: chr9-121310775-G-A. GRCh37 (hg19) VCF-style: chr9-124073053-G-A.
Other names: c.476G>A, p.Arg159His (NM_001127667.2, NM_001127666.2, NM_001353063.2 and 13 more transcripts); c.494G>A, p.Arg165His (NM_001258029.2); c.467G>A, p.Arg156His (NM_001258030.2); c.443G>A, p.Arg148His (NM_001353053.1, NM_001353054.1, NM_001353055.2 and 10 more transcripts); c.596G>A, p.Arg199His (NM_000177.5); c.551G>A, p.Arg184His (NM_001127663.2); c.515G>A, p.Arg172His (NM_001353076.2); c.-212G>A (NM_001353078.2); short protein forms R148H, R184H, R199H, R156H, R159H, R165H, R172H.
Identifiers: ClinVar variation 3523075 (VCV003523075.4).
Genomic context (GRCh38, chr9:121,310,775, plus strand): 5'-TGGTACCCAACGAGGTGGTGGTGCAGAGACTCTTCCAGGTCAAAGGGCGGCGTGTGGTCC[G>A]TGCCACCGAGGTACCTGTGTCCTGGGAGAGCTTCAACAATGGCGACTGCTTCATCCTGGA-3'
Protein context (NP_937895.1, residues 138-158): LFQVKGRRVV[Arg148His]ATEVPVSWES